The following is an entry in ClinVar:

ClinVar aggregate classification (germline): Uncertain significance (1 of 4 stars; one submission).

Submission:

GeneDx
Classification: Uncertain significance. Last evaluated: 2023-12-01. Review status: criteria provided, single submitter. Criteria: GeneDx Variant Classification Process June 2021. Collection method: clinical testing. Allele origin: germline. Affected: yes.
Comment: Not observed at significant frequency in large population cohorts (gnomAD); In silico analysis supports that this missense variant has a deleterious effect on protein structure/function; Has not been previously published as pathogenic or benign to our knowledge

NM_004522.3(KIF5C):c.289G>A (p.Glu97Lys)

Gene: KIF5C (kinesin family member 5C; plus strand). Cytogenetic location: 2q23.1.
Variant type: single nucleotide variant.
Coding change: c.289G>A on transcript NM_004522.3 (MANE Select); coding-DNA position 289, G replaced by A.
Protein change: p.Glu97Lys; replaces glutamic acid 97 with lysine.
Molecular consequence: missense variant.
Genome position (GRCh38, 1-based): chr2:148,929,352, G>A. VCF-style: chr2-148929352-G-A. GRCh37 (hg19) VCF-style: chr2-149686921-G-A.
Other names: short protein forms E97K.
Identifiers: ClinVar variation 3365171 (VCV003365171.1).